The following is an entry in ClinVar:

NM_000218.3(KCNQ1):c.1514+7269G>A

Genes: KCNQ1 (potassium voltage-gated channel subfamily Q member 1; plus strand), KCNQ1OT1 (KCNQ1 opposite strand/antisense transcript 1; minus strand). Cytogenetic location: 11p15.5.
Variant type: single nucleotide variant.
Coding change: c.1514+7269G>A on transcript NM_000218.3 (MANE Select); 7269 bases into the intron after coding-DNA position 1514, G replaced by A.
Molecular consequence: intron variant. On other transcripts: non-coding transcript variant (1).
Genome position (GRCh38, 1-based): chr11:2,669,350, G>A. VCF-style: chr11-2669350-G-A. GRCh37 (hg19) VCF-style: chr11-2690580-G-A.
Other names: c.1244+7269G>A (NM_001406837.1); c.1418+7269G>A (NM_001406836.1); c.974+7269G>A (NM_001406838.1); c.1133+7269G>A (NM_181798.2).
Identifiers: ClinVar variation 4874002 (VCV004874002.2).

ClinVar aggregate classification (germline): Likely benign (1 of 4 stars; one submission).

gnomAD v4.1: 42 of 398,510 alleles (0.011%); highest among the groups gnomAD compares: Non-Finnish European, 0.015%; no homozygotes.

Submission:

CeGaT Center for Human Genetics Tuebingen
Classification: Likely benign. Last evaluated: 2026-06-01. Review status: criteria provided, single submitter. Criteria: CeGaT Center For Human Genetics Tuebingen Variant Classification Criteria Version 2. Collection method: clinical testing. Allele origin: germline. Affected: yes. Observed: 1 variant allele.
Comment: KCNQ1OT1: BS2